The following is an entry in ClinVar:

ClinVar aggregate classification (germline): Uncertain significance. Review status: criteria provided, multiple submitters, no conflicts (2 of 4 stars). 2 submissions from 2 submitters: Uncertain significance (2). Last evaluated 2025-08-07.

Conditions:
Inborn genetic diseases. Identifiers: MedGen C0950123, MeSH D030342.
Joubert syndrome. Also called: CEREBELLOPARENCHYMAL DISORDER IV; JOUBERT-BOLTSHAUSER SYNDROME; Familial aplasia of the vermis. Identifiers: Orphanet 475, MedGen C5979921, MONDO:0018772.

Allele frequency attached by ClinVar (database versions not stated): ExAC 0.00003.
gnomAD v4.1: 6 of 1,608,634 alleles (0.00037%); highest among the groups gnomAD compares: South Asian, 0.0066%; no homozygotes.

Submissions (2):

Ambry Genetics
Classification: Uncertain significance for Inborn genetic diseases. Last evaluated: 2025-08-07. Review status: criteria provided, single submitter. Criteria: Ambry Variant Classification Scheme 2023. Collection method: clinical testing. Allele origin: germline.

Labcorp Genetics (formerly Invitae), Labcorp
Classification: Uncertain significance for Joubert syndrome. Last evaluated: 2022-02-25. Review status: criteria provided, single submitter. Criteria: Invitae Variant Classification Sherloc (09022015). Collection method: clinical testing. Allele origin: germline.
Comment: Advanced modeling of protein sequence and biophysical properties (such as structural, functional, and spatial information, amino acid conservation, physicochemical variation, residue mobility, and thermodynamic stability) performed at Invitae indicates that this missense variant is expected to disrupt AHI1 protein function. This variant has not been reported in the literature in individuals affected with AHI1-related conditions. This variant is present in population databases (rs752861028, gnomAD 0.01%). This sequence change replaces glycine, which is neutral and non-polar, with aspartic acid, which is acidic and polar, at codon 865 of the AHI1 protein (p.Gly865Asp). In summary, the available evidence is currently insufficient to determine the role of this variant in disease. Therefore, it has been classified as a Variant of Uncertain Significance.

NM_001134831.2(AHI1):c.2594G>A (p.Gly865Asp)

Gene: AHI1 (Abelson helper integration site 1; minus strand). Cytogenetic location: 6q23.3.
Variant type: single nucleotide variant.
Coding change: c.2594G>A on transcript NM_001134831.2 (MANE Select); coding-DNA position 2594, G replaced by A.
Protein change: p.Gly865Asp; replaces glycine 865 with aspartic acid.
Molecular consequence: missense variant.
Genome position (GRCh38, 1-based): chr6:135,428,658, C>T on the plus strand (G>A on the coding strand, the complement: AHI1 is on the minus strand). VCF-style: chr6-135428658-C-T. GRCh37 (hg19) VCF-style: chr6-135749796-C-T.
Other names: c.2594G>A, p.Gly865Asp (NM_001134830.2, NM_001134832.2, NM_001350503.2 and 2 more transcripts); c.2594G>A (NM_017651.4); short protein forms G865D.
Identifiers: ClinVar variation 1931099 (VCV001931099.6), dbSNP rs752861028, ClinGen allele CA4012336.